The following is an entry in ClinVar:

ClinVar aggregate classification (germline): Uncertain significance (1 of 4 stars; one submission).

Conditions:
Neuroblastoma, susceptibility to, 3. Also called: ALK-Related Neuroblastic Tumor Susceptibility. Identifiers: Orphanet 635, MedGen C2751681, MONDO:0013083, OMIM 613014.

Submission:

Labcorp Genetics (formerly Invitae), Labcorp
Classification: Uncertain significance for Neuroblastoma, susceptibility to, 3. Last evaluated: 2025-09-10. Review status: criteria provided, single submitter. Criteria: Invitae Variant Classification Sherloc (09022015). Collection method: clinical testing. Allele origin: germline.
Comment: This sequence change replaces isoleucine, which is neutral and non-polar, with valine, which is neutral and non-polar, at codon 938 of the ALK protein (p.Ile938Val). This variant is not present in population databases (gnomAD no frequency). This variant has not been reported in the literature in individuals affected with ALK-related conditions. An algorithm developed to predict the effect of missense changes on protein structure and function (PolyPhen-2) suggests that this variant is likely to be disruptive. In summary, the available evidence is currently insufficient to determine the role of this variant in disease. Therefore, it has been classified as a Variant of Uncertain Significance.

NM_004304.5(ALK):c.2812A>G (p.Ile938Val)

Gene: ALK (ALK receptor tyrosine kinase; minus strand). Cytogenetic location: 2p23.2.
Variant type: single nucleotide variant.
Coding change: c.2812A>G on transcript NM_004304.5 (MANE Select); coding-DNA position 2812, A replaced by G.
Protein change: p.Ile938Val; replaces isoleucine 938 with valine.
Molecular consequence: missense variant.
Genome position (GRCh38, 1-based): chr2:29,228,887, T>C on the plus strand (A>G on the coding strand, the complement: ALK is on the minus strand). VCF-style: chr2-29228887-T-C. GRCh37 (hg19) VCF-style: chr2-29451753-T-C.
Other names: short protein forms I938V.
Identifiers: ClinVar variation 4747807 (VCV004747807.1).